The following is an entry in ClinVar:

ClinVar aggregate classification (germline): Benign/Likely benign. Review status: criteria provided, multiple submitters, no conflicts (2 of 4 stars). 12 submissions from 12 submitters: Benign (7); Likely benign (1). 4 of the submissions do not count toward it. Last evaluated 2026-02-04.

Conditions:
Disorders of Intracellular Cobalamin Metabolism. Identifiers: MedGen CN043592.
Gastrointestinal stromal tumor. Also called: Gastrointestinal stromal tumor, somatic; Gastrointestinal stroma tumor. Identifiers: Orphanet 44890, MedGen C0238198, MeSH D046152, MONDO:0011719, OMIM 606764, HP:0100723.
Methylcobalamin deficiency type cblE (HMAE). Also called: HOMOCYSTINURIA-MEGALOBLASTIC ANEMIA, cblE TYPE; VITAMIN B12-RESPONSIVE HOMOCYSTINURIA, cblE TYPE; HOMOCYSTINURIA-MEGALOBLASTIC ANEMIA, cblE COMPLEMENTATION TYPE. Identifiers: Orphanet 2169, Orphanet 622, MedGen C1856057, MONDO:0009354, OMIM 236270.

Allele frequency attached by ClinVar (database versions not stated): 1000 Genomes Project 30x 0.26765; 1000 Genomes Project 0.26997; TOPMed 0.30413; gnomAD exomes 0.31077; gnomAD 0.31539 and 0.31601; ExAC 0.31547; ESP Exome Variant Server 0.32823.
gnomAD v4.1: 560,847 of 1,613,402 alleles (35%); highest among the groups gnomAD compares: Middle Eastern, 40%; 100,433 homozygotes.

Submissions (12):

Labcorp Genetics (formerly Invitae), Labcorp
Classification: Benign for Methylcobalamin deficiency type cblE. Last evaluated: 2026-02-04. Review status: criteria provided, single submitter. Criteria: Invitae Variant Classification Sherloc (09022015). Collection method: clinical testing. Allele origin: germline.

Women's Health and Genetics/Laboratory Corporation of America, LabCorp
Classification: Likely benign. Last evaluated: 2024-11-11. Review status: criteria provided, single submitter. Criteria: LabCorp Variant Classification Summary - May 2015. Collection method: clinical testing. Allele origin: germline.

Genome-Nilou Lab
Classification: Benign for Methylcobalamin deficiency type cblE. Last evaluated: 2021-09-05. Review status: criteria provided, single submitter. Criteria: ACMG Guidelines, 2015. Collection method: clinical testing. Allele origin: germline. Affected: no.

Mayo Clinic Laboratories, Mayo Clinic
Classification: Benign. Last evaluated: 2021-07-16. Review status: criteria provided, single submitter. Criteria: ACMG Guidelines, 2015. Collection method: clinical testing. Allele origin: germline. Observed: 56 variant alleles.

Pars Genome Lab
Classification: Benign for Methylcobalamin deficiency type cblE. Last evaluated: 2021-06-19. Review status: criteria provided, single submitter. Criteria: ACMG Guidelines, 2015. Collection method: clinical testing. Allele origin: germline. Affected: no.

Illumina Laboratory Services, Illumina
Classification: Benign for Disorders of Intracellular Cobalamin Metabolism. Last evaluated: 2018-03-06. Review status: criteria provided, single submitter. Criteria: ICSL Variant Classification Criteria 13 December 2019. Collection method: clinical testing. Allele origin: germline.
Comment: This variant was observed in the ICSL laboratory as part of a predisposition screen in an ostensibly healthy population. It had not been previously curated by ICSL or reported in the Human Gene Mutation Database (HGMD: prior to June 1st, 2018), and was therefore a candidate for classification through an automated scoring system. Utilizing variant allele frequency, disease prevalence and penetrance estimates, and inheritance mode, an automated score was calculated to assess if this variant is too frequent to cause the disease. Based on the score and internal cut-off values, a variant classified as benign is not then subjected to further curation. The score for this variant resulted in a classification of benign for this disease.

GeneDx
Classification: Benign. Last evaluated: 2013-08-26. Review status: criteria provided, single submitter. Criteria: GeneDx Variant Classification (06012015). Collection method: clinical testing. Allele origin: germline. Affected: yes.
Comment: This variant is considered likely benign or benign based on one or more of the following criteria: it is a conservative change, it occurs at a poorly conserved position in the protein, it is predicted to be benign by multiple in silico algorithms, and/or has population frequency not consistent with disease.

Breakthrough Genomics
Classification: Benign. Review status: criteria provided, single submitter. Criteria: ACMG Guidelines, 2015. Collection method: not provided. Allele origin: germline. Inheritance: Autosomal recessive inheritance. Affected: yes.

Natera, Inc.
Classification: Benign for CblE complementation type homocystinuria-megaloblastic anemia due to defect in cobalamin metabolism. Last evaluated: 2020-09-16. Review status: no assertion criteria provided. Collection method: clinical testing. Allele origin: germline. Not counted in ClinVar's aggregate classification.

Clinical Genetics, Academic Medical Center
Classification: Benign. Review status: no assertion criteria provided. Collection method: clinical testing. Allele origin: germline. Affected: yes. Study: VKGL Data-share Consensus. Not counted in ClinVar's aggregate classification.

Department of Pharmacy and Biotechnology, University of Bologna
Classification: Uncertain significance for Gastrointestinal Stromal Tumors. Review status: no assertion criteria provided. Collection method: case-control. Allele origin: germline. Affected: yes. Observed: 34 variant alleles, 25 heterozygotes, 9 homozygotes. Not counted in ClinVar's aggregate classification.

Diagnostic Laboratory, Department of Genetics, University Medical Center Groningen
Classification: Benign. Review status: no assertion criteria provided. Collection method: clinical testing. Allele origin: germline. Affected: yes. Study: VKGL Data-share Consensus. Not counted in ClinVar's aggregate classification.

Literature cited by the submitters: PubMed 25227144 (cited by Department of Pharmacy and Biotechnology, University of Bologna).

NM_002454.3(MTRR):c.524C>T (p.Ser175Leu)

Gene: MTRR (5-methyltetrahydrofolate-homocysteine methyltransferase reductase; plus strand). Cytogenetic location: 5p15.31.
Variant type: single nucleotide variant.
Coding change: c.524C>T on transcript NM_002454.3 (MANE Select); coding-DNA position 524, C replaced by T.
Protein change: p.Ser175Leu; replaces serine 175 with leucine.
Molecular consequence: missense variant. On other transcripts: non-coding transcript variant (14).
Genome position (GRCh38, 1-based): chr5:7,878,066, C>T. VCF-style: chr5-7878066-C-T. GRCh37 (hg19) VCF-style: chr5-7878179-C-T.
Other names: p.S202L:TCG>TTG; p.Ser175Leu; c.524C>T, p.Ser175Leu (NM_001364440.2, NM_001364441.2, NM_001364442.2 and 1 more transcripts); short protein forms S175L.
Identifiers: ClinVar variation 138304 (VCV000138304.23), dbSNP rs1532268, ClinGen allele CA171001.
Genomic context (GRCh38, chr5:7,878,066, plus strand): 5'-GGTCAAGCAGAGGACAAGAGGAGATAAGTGGCGCACTCCCGGTGGCATCACCTGCATCCT[C>T]GAGGACAGACCTTGTGAAGTCAGAGCTGCTACACATTGAATCTCAAGTCGAGCTTCTGAG-3'
Protein context (NP_002445.2, residues 165-185): GALPVASPAS[Ser175Leu]RTDLVKSELL